The following is an entry in ClinVar:

NM_000808.4(GABRA3):c.1291A>G (p.Ile431Val)

Gene: GABRA3 (gamma-aminobutyric acid type A receptor subunit alpha3; minus strand). Cytogenetic location: Xq28.
Variant type: single nucleotide variant.
Coding change: c.1291A>G on transcript NM_000808.4 (MANE Select); coding-DNA position 1291, A replaced by G.
Protein change: p.Ile431Val; replaces isoleucine 431 with valine.
Molecular consequence: missense variant.
Genome position (GRCh38, 1-based): chrX:152,168,416, T>C on the plus strand (A>G on the coding strand, the complement: GABRA3 is on the minus strand). VCF-style: chrX-152168416-T-C. GRCh37 (hg19) VCF-style: chrX-151336888-T-C.
Other names: short protein forms I431V.
Identifiers: ClinVar variation 4884440 (VCV004884440.1).

ClinVar aggregate classification (germline): Likely benign (1 of 4 stars; one submission).

Conditions:
Epilepsy, X-linked 2, with or without impaired intellectual development and dysmorphic features (EPILX2). Identifiers: MedGen C5774178, MONDO:0859564, OMIM 301091.

gnomAD v4.1: 2 of 1,211,578 alleles (0.00017%); highest among the groups gnomAD compares: Admixed American, 0.0043%; no homozygotes.

Submission:

Centre for Medical Genetics,  Mumbai
Classification: Likely benign for Epilepsy, X-linked 2, with or without impaired intellectual development and dysmorphic features. Last evaluated: 2026-05-02. Review status: criteria provided, single submitter. Criteria: ACMG Guidelines, 2015. Collection method: provider interpretation. Allele origin: germline. Inheritance: X-linked inheritance. Affected: no. Observed: 1 variant allele, 1 homozygote.
Comment: The variant satisfies PM2 criteria - extremely low frequency in gnomAD population databases. The variant satisfies BS2 criteria - Variant was observed in a homozygous state in population databases more than expected for disease. The variant satisfies BP4 criteria - for a missense or a splice region variant, computational prediction tools unanimously support a benign effect on the gene. Hence, should be considered a likely benign variant.

Literature cited by the submitters: PubMed 29053855.